The following is an entry in ClinVar:

NM_024675.4(PALB2):c.1321A>G (p.Lys441Glu)

Gene: PALB2 (partner and localizer of BRCA2; minus strand). Cytogenetic location: 16p12.2.
Variant type: single nucleotide variant.
Coding change: c.1321A>G on transcript NM_024675.4 (MANE Select); coding-DNA position 1321, A replaced by G.
Protein change: p.Lys441Glu; replaces lysine 441 with glutamic acid.
Molecular consequence: missense variant. On other transcripts: intron variant (3).
Genome position (GRCh38, 1-based): chr16:23,635,225, T>C on the plus strand (A>G on the coding strand, the complement: PALB2 is on the minus strand). VCF-style: chr16-23635225-T-C. GRCh37 (hg19) VCF-style: chr16-23646546-T-C.
Other names: c.1261A>G, p.Lys421Glu (NM_001407296.1); c.1321A>G, p.Lys441Glu (NM_001407297.1, NM_001407298.1, NM_001407299.1 and 3 more transcripts); c.436A>G, p.Lys146Glu (NM_001407304.1, NM_001407305.1, NM_001407306.1 and 5 more transcripts); c.48+5885A>G (NM_001407314.1); c.-104-4756A>G (NM_001407313.1, NM_001407312.1); short protein forms K146E, K421E, K441E.
Identifiers: ClinVar variation 3227987 (VCV003227987.1), dbSNP rs2506481612, ClinGen allele CA395132327.

ClinVar aggregate classification (germline): Uncertain significance (1 of 4 stars; one submission).

Conditions:
Hereditary cancer-predisposing syndrome. Also called: Neoplastic Syndromes, Hereditary; Tumor predisposition; Hereditary neoplastic syndrome; Hereditary Cancer Syndrome. Identifiers: Orphanet 140162, MedGen C0027672, MeSH D009386, MONDO:0015356.

Submission:

Ambry Genetics
Classification: Uncertain significance for Hereditary cancer-predisposing syndrome. Last evaluated: 2023-11-15. Review status: criteria provided, single submitter. Criteria: Ambry Variant Classification Scheme 2023. Collection method: clinical testing. Allele origin: germline.
Comment: The p.K441E variant (also known as c.1321A>G), located in coding exon 4 of the PALB2 gene, results from an A to G substitution at nucleotide position 1321. The lysine at codon 441 is replaced by glutamic acid, an amino acid with similar properties. This amino acid position is conserved. In addition, this alteration is predicted to be tolerated by in silico analysis. Since supporting evidence is limited at this time, the clinical significance of this alteration remains unclear.